The following is an entry in ClinVar:

NM_014336.5(AIPL1):c.126T>A (p.Cys42Ter)

Gene: AIPL1 (AIP like 1 HSP90 co-chaperone; minus strand). Cytogenetic location: 17p13.2.
Variant type: single nucleotide variant.
Coding change: c.126T>A on transcript NM_014336.5 (MANE Select); coding-DNA position 126, T replaced by A.
Protein change: p.Cys42Ter; replaces cysteine 42 with a stop codon.
Molecular consequence: nonsense. On other transcripts: intron variant (3).
Genome position (GRCh38, 1-based): chr17:6,434,069, A>T on the plus strand (T>A on the coding strand, the complement: AIPL1 is on the minus strand). VCF-style: chr17-6434069-A-T. GRCh37 (hg19) VCF-style: chr17-6337389-A-T.
Other names: NM_001285403.4:c.126T>A; c.126T>A, p.Cys42Ter (NM_001033054.3, NM_001285401.3, NM_001285403.4); c.9T>A, p.Cys3Ter (NM_001285402.2); c.96+940T>A (NM_001033055.3); c.97-37T>A (NM_001285400.3); c.97-7T>A (NM_001285399.3); short protein forms C3*, C42*.
Identifiers: ClinVar variation 4087769 (VCV004087769.1).

ClinVar aggregate classification (germline): Pathogenic (3 of 4 stars; one submission).

Conditions:
AIPL1-related retinopathy. Also called: AIPL1 retinopathy. Identifiers: MedGen CN305590, MONDO:0100438.

Submission:

ClinGen Leber Congenital Amaurosis/early Onset Retinal Dystrophy Variant Curation Expert Panel, ClinGen
Classification: Pathogenic for AIPL1-related retinopathy. Last evaluated: 2025-09-29. Review status: reviewed by expert panel. Criteria: ClinGen LCAeoRD ACMG Specifications AIPL1 V1.0.0. Collection method: curation. Allele origin: germline. Inheritance: Autosomal recessive inheritance.
Comment: NM_014336.5(AIPL1):c.126T>A (p.Cys42Ter) is a nonsense variant that introduces a premature stop codon into exon 2 of 6 and is predicted to lead to nonsense-mediated decay in a gene in which loss-of-function is an established mechanism of disease (PVS1). This variant is absent from gnomAD v4.1.0 (PM2_Supporting). This variant has been reported in at least 1 proband with early-onset severe retinal dystrophy who was compound heterozygous with the NM_014336.5(AIPL1):c.784G>A (p.Gly262Ser) variant suspected but not confirmed in trans (0.5 points, PMID: 15249368), which was previously classified pathogenic by the ClinGen LCA/eoRD VCEP (PM3_Supporting). At least one proband harboring this variant exhibits a phenotype including a diagnosis of Leber congenital amaurosis (0.5 pts) with visual acuity limited to hand movements (1 pt), mild maculopathy (0.5 pts), mild optic nerve pallor (0.5 pts), severe pigmentary retinopathy (1 pt), and photoattraction (1 pt), which together are specific for AIPL1-related retinopathy (total 4.5 points, PMID: 15249368, PP4). In summary, this variant meets the criteria to be classified as Pathogenic for AIPL1-related retinopathy based on the ACMG/AMP criteria applied, as specified by the ClinGen LCA/eoRD VCEP: PVS1, PM2_Supporting, PM3_Supporting, and PP4. (VCEP specifications version 1.0.0; date of approval 09/24/2025).